The following is an entry in ClinVar:

NM_012186.3(FOXE3):c.524A>C (p.His175Pro)

Genes: FOXE3 (forkhead box E3; plus strand), LINC01389 (long independently transcribed non-coding RNA 1389; minus strand). Cytogenetic location: 1p33.
Variant type: single nucleotide variant.
Coding change: c.524A>C on transcript NM_012186.3 (MANE Select); coding-DNA position 524, A replaced by C.
Protein change: p.His175Pro; replaces histidine 175 with proline.
Molecular consequence: missense variant.
Genome position (GRCh38, 1-based): chr1:47,416,839, A>C. VCF-style: chr1-47416839-A-C. GRCh37 (hg19) VCF-style: chr1-47882511-A-C.
Other names: short protein forms H175P.
Identifiers: ClinVar variation 3758925 (VCV003758925.2).
Genomic context (GRCh38, chr1:47,416,839, plus strand): 5'-TCGACAACGGCAGCTTCCTGCGGCGCCGCAAGCGCTTCAAGCGCGCCGAGCTGCCCGCGC[A>C]CGCGGCCGCGGCGCCAGGGCCGCCGCTCCCCTTCCCCTACGCGCCCTACGCGCCCGCGCC-3'
Protein context (NP_036318.1, residues 165-185): KRFKRAELPA[His175Pro]AAAAPGPPLP

ClinVar aggregate classification (germline): Uncertain significance (1 of 4 stars; one submission).

Conditions:
Congenital primary aphakia. Also called: Anterior segment dysgenesis 2, multiple subtypes; ANTERIOR SEGMENT DYSGENESIS 2. Identifiers: Orphanet 83461, MedGen C1853230, MONDO:0012456, OMIM 610256.
Anterior segment dysgenesis. Also called: Ocular anterior segment dysgenesis. Identifiers: Orphanet 88632, MedGen C1862839, MONDO:0019503, HP:0007700.

Submission:

Labcorp Genetics (formerly Invitae), Labcorp
Classification: Uncertain significance for Anterior segment dysgenesis; Congenital primary aphakia. Last evaluated: 2024-11-04. Review status: criteria provided, single submitter. Criteria: Invitae Variant Classification Sherloc (09022015). Collection method: clinical testing. Allele origin: germline.
Comment: This sequence change replaces histidine, which is basic and polar, with proline, which is neutral and non-polar, at codon 175 of the FOXE3 protein (p.His175Pro). This variant is not present in population databases (gnomAD no frequency). This variant has not been reported in the literature in individuals affected with FOXE3-related conditions. Invitae Evidence Modeling of protein sequence and biophysical properties (such as structural, functional, and spatial information, amino acid conservation, physicochemical variation, residue mobility, and thermodynamic stability) indicates that this missense variant is not expected to disrupt FOXE3 protein function with a negative predictive value of 95%. In summary, the available evidence is currently insufficient to determine the role of this variant in disease. Therefore, it has been classified as a Variant of Uncertain Significance.